The following is an entry in ClinVar:

NM_017802.4(DNAAF5):c.79C>G (p.Leu27Val)

Genes: DNAAF5 (dynein axonemal assembly factor 5; plus strand), PRKAR1B (protein kinase cAMP-dependent type I regulatory subunit beta; minus strand), LOC129997730 (ATAC-STARR-seq lymphoblastoid silent region 17816; plus strand). Cytogenetic location: 7p22.3.
Variant type: single nucleotide variant.
Coding change: c.79C>G on transcript NM_017802.4 (MANE Select); coding-DNA position 79, C replaced by G.
Protein change: p.Leu27Val; replaces leucine 27 with valine.
Molecular consequence: missense variant. On other transcripts: non-coding transcript variant (1), intron variant (3).
Genome position (GRCh38, 1-based): chr7:726,799, C>G. VCF-style: chr7-726799-C-G. GRCh37 (hg19) VCF-style: chr7-766436-C-G.
Other names: c.-23+856G>C (NM_001164759.1); c.-23+791G>C (NM_001164758.2); c.-23+411G>C (NM_001164760.2); short protein forms L27V.
Identifiers: ClinVar variation 1523823 (VCV001523823.6), dbSNP rs1487987262, ClinGen allele CA366529710.

ClinVar aggregate classification (germline): Uncertain significance (1 of 4 stars; one submission).

Conditions:
Primary ciliary dyskinesia. Also called: Ciliary dyskinesia. Identifiers: Orphanet 244, MedGen C0008780, MONDO:0016575, HP:0012265.

Allele frequency attached by ClinVar (database versions not stated): gnomAD 0.00001; TOPMed 0.00001.
gnomAD v4.1: 16 of 1,302,460 alleles (0.0012%); highest among the groups gnomAD compares: Non-Finnish European, 0.0015%; no homozygotes.

Submission:

Labcorp Genetics (formerly Invitae), Labcorp
Classification: Uncertain significance for Primary ciliary dyskinesia. Last evaluated: 2021-09-15. Review status: criteria provided, single submitter. Criteria: Invitae Variant Classification Sherloc (09022015). Collection method: clinical testing. Allele origin: germline.
Comment: This sequence change replaces leucine with valine at codon 27 of the DNAAF5 protein (p.Leu27Val). The leucine residue is moderately conserved and there is a small physicochemical difference between leucine and valine. The frequency data for this variant in the population databases is considered unreliable, as metrics indicate insufficient coverage at this position in the ExAC database. This variant has not been reported in the literature in individuals affected with DNAAF5-related conditions. Algorithms developed to predict the effect of missense changes on protein structure and function are either unavailable or do not agree on the potential impact of this missense change (SIFT: "Tolerated"; PolyPhen-2: "Probably Damaging"; Align-GVGD: "Class C0"). Algorithms developed to predict the effect of sequence changes on RNA splicing suggest that this variant may create or strengthen a splice site. In summary, the available evidence is currently insufficient to determine the role of this variant in disease. Therefore, it has been classified as a Variant of Uncertain Significance.